The following is an entry in ClinVar:

NM_002085.5(GPX4):c.324+5G>A

Gene: GPX4 (glutathione peroxidase 4; plus strand). Cytogenetic location: 19p13.3.
Variant type: single nucleotide variant.
Coding change: c.324+5G>A on transcript NM_002085.5 (MANE Select); 5 bases into the intron after coding-DNA position 324, G replaced by A.
Molecular consequence: intron variant.
Genome position (GRCh38, 1-based): chr19:1,105,515, G>A. VCF-style: chr19-1105515-G-A. GRCh37 (hg19) VCF-style: chr19-1105514-G-A.
Other names: c.324+5G>A (NM_001039847.3); c.243+5G>A (NM_001367832.1); c.435+5G>A (NM_001039848.4).
Identifiers: ClinVar variation 2185638 (VCV002185638.1), dbSNP rs563823784, ClinGen allele CA9037276.

ClinVar aggregate classification (germline): Uncertain significance (1 of 4 stars; one submission).

Allele frequency attached by ClinVar (database versions not stated): gnomAD 0.00001; 1000 Genomes Project 0.00020; 1000 Genomes Project 30x 0.00031.

Submission:

Labcorp Genetics (formerly Invitae), Labcorp
Classification: Uncertain significance. Last evaluated: 2022-05-21. Review status: criteria provided, single submitter. Criteria: Invitae Variant Classification Sherloc (09022015). Collection method: clinical testing. Allele origin: germline.
Comment: This sequence change falls in intron 3 of the GPX4 gene. It does not directly change the encoded amino acid sequence of the GPX4 protein. It affects a nucleotide within the consensus splice site. This variant is present in population databases (rs563823784, gnomAD 0.06%). This variant has not been reported in the literature in individuals affected with GPX4-related conditions. Variants that disrupt the consensus splice site are a relatively common cause of aberrant splicing (PMID: 17576681, 9536098). Algorithms developed to predict the effect of sequence changes on RNA splicing suggest that this variant may create or strengthen a splice site. In summary, the available evidence is currently insufficient to determine the role of this variant in disease. Therefore, it has been classified as a Variant of Uncertain Significance.

Literature cited by the submitters: PubMed 17576681; PubMed 9536098.